The following is an entry in ClinVar:

ClinVar aggregate classification (germline): Uncertain significance. Review status: criteria provided, multiple submitters, no conflicts (2 of 4 stars). 3 submissions from 3 submitters: Uncertain significance (3). Last evaluated 2025-11-08.

Conditions:
Inborn genetic diseases. Identifiers: MedGen C0950123, MeSH D030342.
Fanconi anemia complementation group I (FANCI). Also called: FANCI-Related Fanconi Anemia. Identifiers: Orphanet 84, MedGen C1836861, MONDO:0012186, OMIM 609053.
Fanconi anemia (FA). Also called: Fanconi's anemia. Identifiers: Orphanet 84, MedGen C0015625, MeSH D005199, MONDO:0019391.

Allele frequency attached by ClinVar (database versions not stated): gnomAD exomes 0.00001; gnomAD 0.00002; TOPMed 0.00011.
gnomAD v4.1: 9 of 1,614,082 alleles (0.00056%); highest among the groups gnomAD compares: Admixed American, 0.013%; no homozygotes.

Submissions (3):

Labcorp Genetics (formerly Invitae), Labcorp
Classification: Uncertain significance for Fanconi anemia. Last evaluated: 2025-11-08. Review status: criteria provided, single submitter. Criteria: Invitae Variant Classification Sherloc (09022015). Collection method: clinical testing. Allele origin: germline.
Comment: This sequence change replaces isoleucine, which is neutral and non-polar, with methionine, which is neutral and non-polar, at codon 1103 of the FANCI protein (p.Ile1103Met). This variant is not present in population databases (gnomAD no frequency). This variant has not been reported in the literature in individuals affected with FANCI-related conditions. ClinVar contains an entry for this variant (Variation ID: 1407262). Invitae Evidence Modeling of protein sequence and biophysical properties (such as structural, functional, and spatial information, amino acid conservation, physicochemical variation, residue mobility, and thermodynamic stability) indicates that this missense variant is expected to disrupt FANCI protein function with a positive predictive value of 80%. In summary, the available evidence is currently insufficient to determine the role of this variant in disease. Therefore, it has been classified as a Variant of Uncertain Significance.

Ambry Genetics
Classification: Uncertain significance for Inborn genetic diseases. Last evaluated: 2025-04-25. Review status: criteria provided, single submitter. Criteria: Ambry Variant Classification Scheme 2023. Collection method: clinical testing. Allele origin: germline.

Fulgent Genetics
Classification: Uncertain significance for Fanconi anemia complementation group I. Last evaluated: 2021-07-03. Review status: criteria provided, single submitter. Criteria: ACMG Guidelines, 2015. Collection method: clinical testing. Allele origin: unknown.

NM_001113378.2(FANCI):c.3309C>G (p.Ile1103Met)

Gene: FANCI (FA complementation group I; plus strand). Cytogenetic location: 15q26.1.
Variant type: single nucleotide variant.
Coding change: c.3309C>G on transcript NM_001113378.2 (MANE Select); coding-DNA position 3309, C replaced by G.
Protein change: p.Ile1103Met; replaces isoleucine 1103 with methionine.
Molecular consequence: missense variant.
Genome position (GRCh38, 1-based): chr15:89,305,658, C>G. VCF-style: chr15-89305658-C-G. GRCh37 (hg19) VCF-style: chr15-89848889-C-G.
Other names: c.3030C>G, p.Ile1010Met (NM_001376910.1); c.3309C>G, p.Ile1103Met (NM_001376911.1); c.3129C>G, p.Ile1043Met (NM_018193.3); short protein forms I1010M, I1043M, I1103M.
Identifiers: ClinVar variation 1407262 (VCV001407262.9), dbSNP rs922792253, ClinGen allele CA274525786.